The following is an entry in ClinVar:

ClinVar aggregate classification (germline): Conflicting classifications of pathogenicity. Review status: criteria provided, conflicting classifications (1 of 4 stars). 5 submissions from 5 submitters: Uncertain significance (3); Likely benign (1). 1 of the submissions does not count toward it. Last evaluated 2026-03-02.

Conditions:
SEMA3A-related disorder. Also called: SEMA3A-related condition.

Allele frequency attached by ClinVar (database versions not stated): TOPMed 0.00034; gnomAD 0.00040 and 0.00043; ExAC 0.00053; gnomAD exomes 0.00053; ESP Exome Variant Server 0.00031.
gnomAD v4.1: 1,121 of 1,613,752 alleles (0.069%); highest among the groups gnomAD compares: Non-Finnish European, 0.084%; 1 homozygote.

Submissions (5):

PreventionGenetics, part of Exact Sciences
Classification: Likely benign for SEMA3A-related condition. Last evaluated: 2026-03-02. Review status: criteria provided, single submitter. Criteria: ACMG Guidelines, 2015. Collection method: clinical testing. Allele origin: germline.
Comment: This variant is classified as likely benign based on ACMG/AMP sequence variant interpretation guidelines (Richards et al. 2015 PMID: 25741868, with internal and published modifications).

Labcorp Genetics (formerly Invitae), Labcorp
Classification: Uncertain significance. Last evaluated: 2024-09-03. Review status: criteria provided, single submitter. Criteria: Invitae Variant Classification Sherloc (09022015). Collection method: clinical testing. Allele origin: germline.
Comment: This sequence change replaces arginine, which is basic and polar, with tryptophan, which is neutral and slightly polar, at codon 66 of the SEMA3A protein (p.Arg66Trp). This variant is present in population databases (rs199979628, gnomAD 0.09%), and has an allele count higher than expected for a pathogenic variant. This missense change has been observed in individual(s) with SEMA3A-related conditions (PMID: 22927827, 24728844, 29419413, 30098700, 34348883). ClinVar contains an entry for this variant (Variation ID: 68832). An algorithm developed to predict the effect of missense changes on protein structure and function (PolyPhen-2) suggests that this variant is likely to be disruptive. Experimental studies have shown that this missense change affects SEMA3A function (PMID: 22927827). In summary, the available evidence is currently insufficient to determine the role of this variant in disease. Therefore, it has been classified as a Variant of Uncertain Significance.

GeneDx
Classification: Uncertain significance. Last evaluated: 2021-07-12. Review status: criteria provided, single submitter. Criteria: GeneDx Variant Classification Process June 2021. Collection method: clinical testing. Allele origin: germline. Affected: yes.
Comment: Identified in patients with Kallmann syndrome, some of whom harbored variants in other genes (Hanchate et al., 2012; Cassatella et al., 2018; Bouilly et al., 2018); Identified in a patient with CHARGE syndrome who was negative for variants in the CHD7 gene; this variant was inherited from a healthy father and was hypothesized to have a modifier role (Schultz et al., 2014); Reported in an individual with unilateral vesicoureteric reflux (Nicolaou et al., 2016), and in one case with sudden unexplained death (Neubauer et al., 2018), however, familial segregation studies were not included in these studies; Published functional studies demonstrate that this variant results in impaired semaphorin-3A secretion (Hanchate et al., 2012; Ufartes et al., 2018); This variant is associated with the following publications: (PMID: 32171629, 33895855, 22927827, 29419413, 29350269, 24728844, 26489027, 29202173, 30098700, 29432577)

Breakthrough Genomics
Classification: Uncertain significance. Review status: criteria provided, single submitter. Criteria: ACMG Guidelines, 2015. Collection method: not provided. Allele origin: germline. Inheritance: Autosomal recessive inheritance. Affected: yes.

UniProtKB/Swiss-Prot
No classification provided. Review status: no classification provided. Collection method: not provided. Allele origin: not provided. Not counted in ClinVar's aggregate classification.

Literature cited by the submitters: PubMed 22927827 (cited by Labcorp Genetics (formerly Invitae), Labcorp); PubMed 24728844 (cited by Labcorp Genetics (formerly Invitae), Labcorp); PubMed 29419413 (cited by Labcorp Genetics (formerly Invitae), Labcorp); PubMed 30098700 (cited by Labcorp Genetics (formerly Invitae), Labcorp); PubMed 34348883 (cited by Labcorp Genetics (formerly Invitae), Labcorp).

NM_006080.3(SEMA3A):c.196C>T (p.Arg66Trp)

Gene: SEMA3A (semaphorin 3A; minus strand). Cytogenetic location: 7q21.11.
Variant type: single nucleotide variant.
Coding change: c.196C>T on transcript NM_006080.3 (MANE Select); coding-DNA position 196, C replaced by T.
Protein change: p.Arg66Trp; replaces arginine 66 with tryptophan.
Molecular consequence: missense variant.
Genome position (GRCh38, 1-based): chr7:84,134,868, G>A on the plus strand (C>T on the coding strand, the complement: SEMA3A is on the minus strand). VCF-style: chr7-84134868-G-A. GRCh37 (hg19) VCF-style: chr7-83764184-G-A.
Other names: short protein forms R66W.
Identifiers: ClinVar variation 68832 (VCV000068832.11), dbSNP rs199979628, ClinGen allele CA220072.